The following is an entry in ClinVar:

NM_000238.4(KCNH2):c.779C>T (p.Ala260Val)

Gene: KCNH2 (potassium voltage-gated channel subfamily H member 2; minus strand). Cytogenetic location: 7q36.1.
Variant type: single nucleotide variant.
Coding change: c.779C>T on transcript NM_000238.4 (MANE Select); coding-DNA position 779, C replaced by T.
Protein change: p.Ala260Val; replaces alanine 260 with valine.
Molecular consequence: missense variant.
Genome position (GRCh38, 1-based): chr7:150,958,196, G>A on the plus strand (C>T on the coding strand, the complement: KCNH2 is on the minus strand). VCF-style: chr7-150958196-G-A. GRCh37 (hg19) VCF-style: chr7-150655284-G-A.
Other names: c.491C>T, p.Ala164Val (NM_001406753.1, NM_001406756.1); c.602C>T, p.Ala201Val (NM_001406755.1); c.479C>T, p.Ala160Val (NM_001406757.1); c.779C>T, p.Ala260Val (NM_172056.3); short protein forms A260V, A201V, A164V, A160V.
Identifiers: ClinVar variation 571094 (VCV000571094.11), dbSNP rs1228602666, ClinGen allele CA369862519.

ClinVar aggregate classification (germline): Uncertain significance. Review status: criteria provided, multiple submitters, no conflicts (2 of 4 stars). 2 submissions from 2 submitters: Uncertain significance (2). Last evaluated 2025-11-05.

Conditions:
Cardiovascular phenotype. Identifiers: MedGen CN230736.
Long QT syndrome (LQTS). Identifiers: MedGen C0023976, MeSH D008133, MONDO:0002442. Disease mechanism: loss of function. Inheritance: Various modes of inheritance.

Allele frequency attached by ClinVar (database versions not stated): gnomAD 0.00001; TOPMed 0.00001; gnomAD exomes 0.00003.

Submissions (2):

Labcorp Genetics (formerly Invitae), Labcorp
Classification: Uncertain significance for Long QT syndrome. Last evaluated: 2025-11-05. Review status: criteria provided, single submitter. Criteria: Invitae Variant Classification Sherloc (09022015). Collection method: clinical testing. Allele origin: germline.
Comment: This sequence change replaces alanine, which is neutral and non-polar, with valine, which is neutral and non-polar, at codon 260 of the KCNH2 protein (p.Ala260Val). This variant is not present in population databases (gnomAD no frequency). This variant has not been reported in the literature in individuals affected with KCNH2-related conditions. ClinVar contains an entry for this variant (Variation ID: 571094). An algorithm developed to predict the effect of missense changes on protein structure and function (PolyPhen-2) suggests that this variant is likely to be tolerated. In summary, the available evidence is currently insufficient to determine the role of this variant in disease. Therefore, it has been classified as a Variant of Uncertain Significance.

Ambry Genetics
Classification: Uncertain significance for Cardiovascular phenotype. Last evaluated: 2021-02-02. Review status: criteria provided, single submitter. Criteria: Ambry Variant Classification Scheme 2023. Collection method: clinical testing. Allele origin: germline.
Comment: The p.A260V variant (also known as c.779C>T), located in coding exon 4 of the KCNH2 gene, results from a C to T substitution at nucleotide position 779. The alanine at codon 260 is replaced by valine, an amino acid with similar properties. This amino acid position is not well conserved in available vertebrate species. In addition, the in silico prediction for this alteration is inconclusive. Since supporting evidence is limited at this time, the clinical significance of this alteration remains unclear.